The following is an entry in ClinVar:

NM_013372.7(GREM1):c.22G>T (p.Val8Leu)

Gene: GREM1 (gremlin 1, DAN family BMP antagonist; plus strand). Cytogenetic location: 15q13.3.
Variant type: single nucleotide variant.
Coding change: c.22G>T on transcript NM_013372.7 (MANE Select); coding-DNA position 22, G replaced by T.
Protein change: p.Val8Leu; replaces valine 8 with leucine.
Molecular consequence: missense variant.
Genome position (GRCh38, 1-based): chr15:32,730,712, G>T. VCF-style: chr15-32730712-G-T. GRCh37 (hg19) VCF-style: chr15-33022913-G-T.
Other names: c.22G>T, p.Val8Leu (NM_001191322.2, NM_001191323.2, NM_001368719.1); short protein forms V8L.
Identifiers: ClinVar variation 4266796 (VCV004266796.1).

ClinVar aggregate classification (germline): Uncertain significance (1 of 4 stars; one submission).

Conditions:
Hereditary cancer-predisposing syndrome. Also called: Hereditary Cancer Syndrome; Hereditary neoplastic syndrome; Neoplastic Syndromes, Hereditary; Tumor predisposition. Identifiers: Orphanet 140162, MedGen C0027672, MeSH D009386, MONDO:0015356.

Submission:

Ambry Genetics
Classification: Uncertain significance for Hereditary cancer-predisposing syndrome. Last evaluated: 2025-08-01. Review status: criteria provided, single submitter. Criteria: Ambry Variant Classification Scheme 2023. Collection method: clinical testing. Allele origin: germline.
Comment: The p.V8L variant (also known as c.22G>T), located in coding exon 1 of the GREM1 gene, results from a G to T substitution at nucleotide position 22. The valine at codon 8 is replaced by leucine, an amino acid with highly similar properties. This amino acid position is conserved. In addition, this alteration is predicted to be tolerated by in silico analysis. Based on the available evidence, the clinical significance of this variant remains unclear.